The following is an entry in ClinVar:

ClinVar aggregate classification (germline): Uncertain significance. Review status: criteria provided, multiple submitters, no conflicts (2 of 4 stars). 5 submissions from 5 submitters: Uncertain significance (5). Last evaluated 2025-02-05.

Conditions:
Naxos disease (NXD). Also called: CARDIOMYOPATHY, ARRHYTHMOGENIC RIGHT VENTRICULAR, WITH SKIN, HAIR, AND NAIL ABNORMALITIES; KERATOSIS PALMOPLANTARIS WITH ARRHYTHMOGENIC CARDIOMYOPATHY; MAL DE NAXOS; PALMOPLANTAR KERATODERMA WITH ARRHYTHMOGENIC RIGHT VENTRICULAR CARDIOMYOPATHY AND WOOLLY HAIR; WOOLLY HAIR, PALMOPLANTAR KERATODERMA, AND CARDIAC ABNORMALITIES. Identifiers: Orphanet 34217, MedGen C1832600, MONDO:0011017, OMIM 601214.
Arrhythmogenic right ventricular dysplasia 12. Also called: ARRHYTHMOGENIC RIGHT VENTRICULAR DYSPLASIA, FAMILIAL, 12. Identifiers: MedGen C1969081, MONDO:0012684, OMIM 611528.
Cardiovascular phenotype. Identifiers: MedGen CN230736.
Left ventricular noncompaction 1 (LVNC1). Also called: LEFT VENTRICULAR NONCOMPACTION 1 WITH OR WITHOUT CONGENITAL HEART DEFECTS. Identifiers: Orphanet 54260, MedGen C1858725, MONDO:0011403, OMIM 604169.

Allele frequency attached by ClinVar (database versions not stated): ExAC 0.00001; gnomAD exomes 0.00001.
gnomAD v4.1: 17 of 1,611,760 alleles (0.0011%); highest among the groups gnomAD compares: Admixed American, 0.0017%; no homozygotes.

Submissions (5):

Labcorp Genetics (formerly Invitae), Labcorp
Classification: Uncertain significance for Arrhythmogenic right ventricular dysplasia 12; Naxos disease. Last evaluated: 2025-02-05. Review status: criteria provided, single submitter. Criteria: Invitae Variant Classification Sherloc (09022015). Collection method: clinical testing. Allele origin: germline.
Comment: This sequence change replaces arginine, which is basic and polar, with glutamine, which is neutral and polar, at codon 216 of the JUP protein (p.Arg216Gln). The frequency data for this variant in the population databases is considered unreliable, as metrics indicate poor data quality at this position in the gnomAD database. This variant has not been reported in the literature in individuals affected with JUP-related conditions. ClinVar contains an entry for this variant (Variation ID: 536629). An algorithm developed to predict the effect of missense changes on protein structure and function (PolyPhen-2) suggests that this variant is likely to be tolerated. In summary, the available evidence is currently insufficient to determine the role of this variant in disease. Therefore, it has been classified as a Variant of Uncertain Significance.

Ambry Genetics
Classification: Uncertain significance for Cardiovascular phenotype. Last evaluated: 2022-12-25. Review status: criteria provided, single submitter. Criteria: Ambry Variant Classification Scheme 2023. Collection method: clinical testing. Allele origin: germline.
Comment: The p.R216Q variant (also known as c.647G>A), located in coding exon 3 of the JUP gene, results from a G to A substitution at nucleotide position 647. The arginine at codon 216 is replaced by glutamine, an amino acid with highly similar properties. This amino acid position is conserved. In addition, the in silico prediction for this alteration is inconclusive. Since supporting evidence is limited at this time, the clinical significance of this alteration remains unclear.

GeneDx
Classification: Uncertain significance. Last evaluated: 2022-12-16. Review status: criteria provided, single submitter. Criteria: GeneDx Variant Classification Process June 2021. Collection method: clinical testing. Allele origin: germline. Affected: yes.
Comment: Not observed at significant frequency in large population cohorts (gnomAD); In silico analysis supports that this missense variant has a deleterious effect on protein structure/function; Has not been previously published as pathogenic or benign to our knowledge

Molecular Diagnostic Laboratory for Inherited Cardiovascular Disease, Montreal Heart Institute
Classification: Uncertain significance for Left ventricular noncompaction 1. Last evaluated: 2019-06-03. Review status: criteria provided, single submitter. Criteria: ACMG Guidelines, 2015. Collection method: clinical testing. Allele origin: germline. Affected: yes.

Stanford Center for Inherited Cardiovascular Disease, Stanford University
Classification: Uncertain significance. Last evaluated: 2017-10-25. Review status: criteria provided, single submitter. Criteria: ACMG Guidelines, 2015. Collection method: provider interpretation. Allele origin: germline.

NM_002230.4(JUP):c.647G>A (p.Arg216Gln)

Gene: JUP (junction plakoglobin; minus strand). Cytogenetic location: 17q21.2.
Variant type: single nucleotide variant.
Coding change: c.647G>A on transcript NM_002230.4 (MANE Select); coding-DNA position 647, G replaced by A.
Protein change: p.Arg216Gln; replaces arginine 216 with glutamine.
Molecular consequence: missense variant.
Genome position (GRCh38, 1-based): chr17:41,769,029, C>T on the plus strand (G>A on the coding strand, the complement: JUP is on the minus strand). VCF-style: chr17-41769029-C-T. GRCh37 (hg19) VCF-style: chr17-39925281-C-T.
Other names: c.647G>A, p.Arg216Gln (NM_001352773.2, NM_001352774.2, NM_001352775.2 and 3 more transcripts); short protein forms R216Q.
Identifiers: ClinVar variation 536629 (VCV000536629.16), dbSNP rs782498980, ClinGen allele CA8565425.